The following is an entry in ClinVar:

NM_001276309.3(NOL3):c.199G>A (p.Gly67Ser)

Gene: NOL3 (nucleolar protein 3; plus strand). Cytogenetic location: 16q22.1.
Variant type: single nucleotide variant.
Coding change: c.199G>A on transcript NM_001276309.3 (MANE Select); coding-DNA position 199, G replaced by A.
Protein change: p.Gly67Ser; replaces glycine 67 with serine.
Molecular consequence: missense variant. On other transcripts: intron variant (4).
Genome position (GRCh38, 1-based): chr16:67,174,368, G>A. VCF-style: chr16-67174368-G-A. GRCh37 (hg19) VCF-style: chr16-67208271-G-A.
Other names: c.199G>A, p.Gly67Ser (NM_001185057.3, NM_001276307.3, NM_001276312.3 and 5 more transcripts); c.171+28G>A (NM_001394975.1, NM_001394976.1, NM_001394974.1 and 1 more transcripts); short protein forms G67S.
Identifiers: ClinVar variation 2581405 (VCV002581405.1), dbSNP rs980077298, ClinGen allele CA282296002.

ClinVar aggregate classification (germline): Uncertain significance (1 of 4 stars; one submission).

Allele frequency attached by ClinVar (database versions not stated): TOPMed 0.00002.
gnomAD v4.1: 5 of 1,575,082 alleles (0.00032%); highest among the groups gnomAD compares: South Asian, 0.0023%; no homozygotes.

Submission:

Women's Health and Genetics/Laboratory Corporation of America, LabCorp
Classification: Uncertain significance. Last evaluated: 2023-08-28. Review status: criteria provided, single submitter. Criteria: LabCorp Variant Classification Summary - May 2015. Collection method: clinical testing. Allele origin: germline.
Comment: Variant summary: NOL3 c.199G>A (p.Gly67Ser) results in a non-conservative amino acid change located in the CARD domain (IPR001315) of the encoded protein sequence. Four of five in-silico tools predict a benign effect of the variant on protein function. The variant allele was found at a frequency of 1.1e-05 in 181122 control chromosomes (gnomAD). The available data on variant occurrences in the general population are insufficient to allow any conclusion about variant significance. To our knowledge, no occurrence of c.199G>A in individuals affected with Myoclonus, Familial, 1 and no experimental evidence demonstrating its impact on protein function have been reported. No submitters have cited clinical-significance assessments for this variant to ClinVar after 2014. Based on the evidence outlined above, the variant was classified as uncertain significance.